The following is an entry in ClinVar:

NM_000063.6(C2):c.437A>G (p.Asn146Ser)

Gene: C2 (complement C2; plus strand). Cytogenetic location: 6p21.33.
Variant type: single nucleotide variant.
Coding change: c.437A>G on transcript NM_000063.6 (MANE Select); coding-DNA position 437, A replaced by G.
Protein change: p.Asn146Ser; replaces asparagine 146 with serine.
Molecular consequence: missense variant. On other transcripts: genic upstream transcript variant (2), intron variant (1).
Genome position (GRCh38, 1-based): chr6:31,928,912, A>G. VCF-style: chr6-31928912-A-G. GRCh37 (hg19) VCF-style: chr6-31896689-A-G.
Other names: c.350A>G, p.Asn117Ser (NM_001282458.2); c.437A>G, p.Asn146Ser (NM_001282459.2); c.-63-4698A>G (NM_001282457.2); c.74-4698A>G (NM_001178063.3); c.46+1114A>G (NM_001145903.3); short protein forms N146S, N117S.
Identifiers: ClinVar variation 1507196 (VCV001507196.6), dbSNP rs2151742291, ClinGen allele CA363491852.

ClinVar aggregate classification (germline): Uncertain significance (1 of 4 stars; one submission).

Submission:

Labcorp Genetics (formerly Invitae), Labcorp
Classification: Uncertain significance. Last evaluated: 2021-07-22. Review status: criteria provided, single submitter. Criteria: Invitae Variant Classification Sherloc (09022015). Collection method: clinical testing. Allele origin: germline.
Comment: This variant has not been reported in the literature in individuals affected with C2-related conditions. This variant is not present in population databases (ExAC no frequency). This sequence change replaces asparagine with serine at codon 146 of the C2 protein (p.Asn146Ser). The asparagine residue is highly conserved and there is a small physicochemical difference between asparagine and serine. In summary, the available evidence is currently insufficient to determine the role of this variant in disease. Therefore, it has been classified as a Variant of Uncertain Significance. Algorithms developed to predict the effect of sequence changes on RNA splicing suggest that this variant may create or strengthen a splice site. Algorithms developed to predict the effect of missense changes on protein structure and function are either unavailable or do not agree on the potential impact of this missense change (SIFT: "Deleterious"; PolyPhen-2: "Benign"; Align-GVGD: "Class C0").